The following is an entry in ClinVar:

ClinVar aggregate classification (germline): Uncertain significance. Review status: criteria provided, multiple submitters, no conflicts (2 of 4 stars). 2 submissions from 2 submitters: Uncertain significance (2). Last evaluated 2025-02-10.

Conditions:
Charcot-Marie-Tooth disease type 2. Also called: Charcot-Marie-Tooth type 2. Identifiers: Orphanet 64746, MedGen C0270914, MONDO:0018993.

Allele frequency attached by ClinVar (database versions not stated): ExAC 0.00001; TOPMed 0.00002; gnomAD exomes 0.00001.
gnomAD v4.1: 11 of 1,614,156 alleles (0.00068%); highest among the groups gnomAD compares: South Asian, 0.0022%; no homozygotes.

Submissions (2):

Labcorp Genetics (formerly Invitae), Labcorp
Classification: Uncertain significance for Charcot-Marie-Tooth disease type 2. Last evaluated: 2025-02-10. Review status: criteria provided, single submitter. Criteria: Invitae Variant Classification Sherloc (09022015). Collection method: clinical testing. Allele origin: germline.
Comment: This sequence change replaces arginine, which is basic and polar, with cysteine, which is neutral and slightly polar, at codon 776 of the KIF1B protein (p.Arg776Cys). This variant is present in population databases (rs760896802, gnomAD 0.006%). This variant has not been reported in the literature in individuals affected with KIF1B-related conditions. ClinVar contains an entry for this variant (Variation ID: 1789654). An algorithm developed to predict the effect of missense changes on protein structure and function (PolyPhen-2) suggests that this variant is likely to be disruptive. In summary, the available evidence is currently insufficient to determine the role of this variant in disease. Therefore, it has been classified as a Variant of Uncertain Significance.

Ambry Genetics
Classification: Uncertain significance. Last evaluated: 2023-06-18. Review status: criteria provided, single submitter. Criteria: Ambry Variant Classification Scheme 2023. Collection method: clinical testing. Allele origin: germline.
Comment: The p.R776C variant (also known as c.2326C>T), located in coding exon 22 of the KIF1B gene, results from a C to T substitution at nucleotide position 2326. The arginine at codon 776 is replaced by cysteine, an amino acid with highly dissimilar properties. This amino acid position is highly conserved in available vertebrate species. In addition, this alteration is predicted to be deleterious by in silico analysis. Since supporting evidence is limited at this time, the clinical significance of this alteration remains unclear.

NM_001365951.3(KIF1B):c.2464C>T (p.Arg822Cys)

Gene: KIF1B (kinesin family member 1B; plus strand). Cytogenetic location: 1p36.22.
Variant type: single nucleotide variant.
Coding change: c.2464C>T on transcript NM_001365951.3 (MANE Select); coding-DNA position 2464, C replaced by T.
Protein change: p.Arg822Cys; replaces arginine 822 with cysteine.
Molecular consequence: missense variant.
Genome position (GRCh38, 1-based): chr1:10,323,989, C>T. VCF-style: chr1-10323989-C-T. GRCh37 (hg19) VCF-style: chr1-10384047-C-T.
Other names: c.2464C>T, p.Arg822Cys (NM_001365952.1); c.2326C>T, p.Arg776Cys (NM_015074.3); short protein forms R822C, R776C.
Identifiers: ClinVar variation 1789654 (VCV001789654.6), dbSNP rs760896802, ClinGen allele CA581530.
Genomic context (GRCh38, chr1:10,323,989, plus strand): 5'-TTGCCTCCTGAATTACTTCCCACTGAGATGGAAAAAACTCATGAGGACAGGCCTTTCCCT[C>T]GCACAGTGGTAGCAGTAGAAGTCCAGGATTTGAAGAATGGAGCAACACACTATTGGTCTT-3'
Protein context (NP_001352880.1, residues 812-832): EKTHEDRPFP[Arg822Cys]TVVAVEVQDL